The following is an entry in ClinVar:

ClinVar aggregate classification (germline): Conflicting classifications of pathogenicity. Review status: criteria provided, conflicting classifications (1 of 4 stars). 8 submissions from 8 submitters: Uncertain significance (1); Benign (1); Likely benign (6). Last evaluated 2025-08-16.

Conditions:
Ataxia, early-onset, with oculomotor apraxia and hypoalbuminemia (EAOH). Also called: Ataxia-oculomotor apraxia type 1; ATAXIA-OCULOMOTOR APRAXIA SYNDROME; ATAXIA-TELANGIECTASIA-LIKE SYNDROME. Identifiers: Orphanet 1168, MedGen C1859598, MONDO:0008842, OMIM 208920.

Allele frequency attached by ClinVar (database versions not stated): ExAC 0.00026; gnomAD exomes 0.00031 and 0.00067; ESP Exome Variant Server 0.00054; gnomAD 0.00060 and 0.00063.
gnomAD v4.1: 994 of 1,489,068 alleles (0.067%); highest among the groups gnomAD compares: Non-Finnish European, 0.084%; 1 homozygote.

Submissions (8):

Labcorp Genetics (formerly Invitae), Labcorp
Classification: Likely benign. Last evaluated: 2025-08-16. Review status: criteria provided, single submitter. Criteria: Invitae Variant Classification Sherloc (09022015). Collection method: clinical testing. Allele origin: germline.

Blueprint Genetics
Classification: Likely benign. Last evaluated: 2024-09-12. Review status: criteria provided, single submitter. Criteria: ACMG Guidelines, 2015. Collection method: clinical testing. Allele origin: germline.

Athena Diagnostics
Classification: Likely benign. Last evaluated: 2024-05-22. Review status: criteria provided, single submitter. Criteria: Athena Diagnostics Criteria. Collection method: clinical testing. Allele origin: unknown.

CeGaT Center for Human Genetics Tuebingen
Classification: Likely benign. Last evaluated: 2023-03-01. Review status: criteria provided, single submitter. Criteria: CeGaT Center For Human Genetics Tuebingen Variant Classification Criteria Version 2. Collection method: clinical testing. Allele origin: germline. Affected: yes. Observed: 3 variant alleles.
Comment: APTX: BP4, BP7

ARUP Laboratories, Molecular Genetics and Genomics, ARUP Laboratories
Classification: Likely benign. Last evaluated: 2018-06-19. Review status: criteria provided, single submitter. Criteria: ARUP Molecular Germline Variant Investigation Process. Collection method: clinical testing. Allele origin: germline.
Comment: The c.513G>A variant (rs140888559; ClinVar Variation ID: 262911) has not been reported in the medical literature in association with disease. This variant does not alter amino acid sequence of APTX protein, affects a weakly conserved nucleotide, and computational analyses (Alamut v.2.11) predict that this variant does not alter splicing. This variant is rare in the general population and is found with an overall allele frequency of 0.03% (90/271,614 alleles) in the Genome Aggregation Database. Based on available information, this variant is considered to be likely benign.

Illumina Laboratory Services, Illumina
Classification: Uncertain significance for Ataxia, early-onset, with oculomotor apraxia and hypoalbuminemia. Last evaluated: 2017-04-27. Review status: criteria provided, single submitter. Criteria: ICSL Variant Classification Criteria 13 December 2019. Collection method: clinical testing. Allele origin: germline.

GeneDx
Classification: Benign. Last evaluated: 2015-06-04. Review status: criteria provided, single submitter. Criteria: GeneDx Variant Classification (06012015). Collection method: clinical testing. Allele origin: germline. Affected: yes.
Comment: This variant is considered likely benign or benign based on one or more of the following criteria: it is a conservative change, it occurs at a poorly conserved position in the protein, it is predicted to be benign by multiple in silico algorithms, and/or has population frequency not consistent with disease.

PreventionGenetics, part of Exact Sciences
Classification: Likely benign. Review status: criteria provided, single submitter. Criteria: ACMG Guidelines, 2015. Collection method: clinical testing. Allele origin: germline.

NM_001195248.2(APTX):c.513G>A (p.Leu171=)

Gene: APTX (aprataxin; minus strand). Cytogenetic location: 9p21.1.
Variant type: single nucleotide variant.
Coding change: c.513G>A on transcript NM_001195248.2 (MANE Select); coding-DNA position 513, G replaced by A.
Protein change: p.Leu171=; no amino-acid change (leucine 171 retained).
Molecular consequence: synonymous variant. On other transcripts: non-coding transcript variant (13).
Genome position (GRCh38, 1-based): chr9:32,986,001, C>T on the plus strand (G>A on the coding strand, the complement: APTX is on the minus strand). VCF-style: chr9-32986001-C-T. GRCh37 (hg19) VCF-style: chr9-32985999-C-T.
Other names: c.513G>A, p.Leu171= (NM_001195249.2, NM_001195251.2, NM_001368995.1 and 6 more transcripts); c.351G>A, p.Leu117= (NM_001195250.2, NM_001195254.2, NM_001369000.1 and 1 more transcripts); c.297G>A, p.Leu99= (NM_001195252.2); c.249G>A, p.Leu83= (NM_001369002.1, NM_001369003.1, NM_001369004.1 and 5 more transcripts).
Identifiers: ClinVar variation 262911 (VCV000262911.55), dbSNP rs140888559, ClinGen allele CA5022389.